The following is an entry in ClinVar:

NM_001384732.1(CPLANE1):c.4561C>A (p.Pro1521Thr)

Gene: CPLANE1 (ciliogenesis and planar polarity effector complex subunit 1; minus strand). Cytogenetic location: 5p13.2.
Variant type: single nucleotide variant.
Coding change: c.4561C>A on transcript NM_001384732.1 (MANE Select); coding-DNA position 4561, C replaced by A.
Protein change: p.Pro1521Thr; replaces proline 1521 with threonine.
Molecular consequence: missense variant.
Genome position (GRCh38, 1-based): chr5:37,183,620, G>T on the plus strand (C>A on the coding strand, the complement: CPLANE1 is on the minus strand). VCF-style: chr5-37183620-G-T. GRCh37 (hg19) VCF-style: chr5-37183722-G-T.
Other names: c.4561C>A, p.Pro1521Thr (NM_023073.4); short protein forms P1521T.
Identifiers: ClinVar variation 1037421 (VCV001037421.6), dbSNP rs1783235751, ClinGen allele CA359497843.

ClinVar aggregate classification (germline): Uncertain significance (1 of 4 stars; one submission).

Submission:

Labcorp Genetics (formerly Invitae), Labcorp
Classification: Uncertain significance. Last evaluated: 2020-09-11. Review status: criteria provided, single submitter. Criteria: Invitae Variant Classification Sherloc (09022015). Collection method: clinical testing. Allele origin: germline.
Comment: This variant has not been reported in the literature in individuals with CPLANE1-related conditions. This sequence change replaces proline with threonine at codon 1521 of the CPLANE1 protein (p.Pro1521Thr). The proline residue is weakly conserved and there is a small physicochemical difference between proline and threonine. This variant is not present in population databases (ExAC no frequency). Advanced modeling of protein sequence and biophysical properties (such as structural, functional, and spatial information, amino acid conservation, physicochemical variation, residue mobility, and thermodynamic stability) performed at Invitae indicates that this missense variant is not expected to disrupt CPLANE1 protein function. In summary, the available evidence is currently insufficient to determine the role of this variant in disease. Therefore, it has been classified as a Variant of Uncertain Significance.